The following is an entry in ClinVar:

NM_001042492.3(NF1):c.6403A>G (p.Thr2135Ala)

Gene: NF1 (neurofibromin 1; plus strand). Cytogenetic location: 17q11.2.
Variant type: single nucleotide variant.
Coding change: c.6403A>G on transcript NM_001042492.3 (MANE Select); coding-DNA position 6403, A replaced by G.
Protein change: p.Thr2135Ala; replaces threonine 2135 with alanine.
Molecular consequence: missense variant.
Genome position (GRCh38, 1-based): chr17:31,336,890, A>G. VCF-style: chr17-31336890-A-G. GRCh37 (hg19) VCF-style: chr17-29663908-A-G.
Other names: c.6340A>G, p.Thr2114Ala (NM_000267.4); short protein forms T2114A, T2135A.
Identifiers: ClinVar variation 2702369 (VCV002702369.4), dbSNP rs1555534767, ClinGen allele CA399012915.
Genomic context (GRCh38, chr17:31,336,890, plus strand): 5'-CCGCTCTCCCTTAGAGCTTCCACACATGGACTGGTCATTAATATCATTCACTCTCTGTGT[A>G]CTTGTTCACAGCTTCATTTTAGTGGTAAGTTCTAGGAAAGGAATTTGTGTTTACCAGTTC-3'
Protein context (NP_001035957.1, residues 2125-2145): LVINIIHSLC[Thr2135Ala]CSQLHFSEET

ClinVar aggregate classification (germline): Uncertain significance. Review status: criteria provided, multiple submitters, no conflicts (2 of 4 stars). 2 submissions from 2 submitters: Uncertain significance (2). Last evaluated 2023-12-12.

Conditions:
Cardiovascular phenotype. Identifiers: MedGen CN230736.
Hereditary cancer-predisposing syndrome. Also called: Hereditary Cancer Syndrome; Hereditary neoplastic syndrome; Neoplastic Syndromes, Hereditary; Tumor predisposition. Identifiers: Orphanet 140162, MedGen C0027672, MeSH D009386, MONDO:0015356.
Neurofibromatosis, type 1 (NF1). Also called: Peripheral type neurofibromatosis; VON RECKLINGHAUSEN DISEASE; Neurofibromatosis, type I; NEUROFIBROMATOSIS, TYPE I, SOMATIC. Identifiers: Orphanet 636, MedGen C0027831, MONDO:0018975, OMIM 162200. Disease mechanism: loss of function.

Submissions (2):

Labcorp Genetics (formerly Invitae), Labcorp
Classification: Uncertain significance for Neurofibromatosis, type 1. Last evaluated: 2023-12-12. Review status: criteria provided, single submitter. Criteria: Invitae Variant Classification Sherloc (09022015). Collection method: clinical testing. Allele origin: germline.
Comment: This sequence change replaces threonine, which is neutral and polar, with alanine, which is neutral and non-polar, at codon 2114 of the NF1 protein (p.Thr2114Ala). This variant is not present in population databases (gnomAD no frequency). This variant has not been reported in the literature in individuals affected with NF1-related conditions. Advanced modeling of protein sequence and biophysical properties (such as structural, functional, and spatial information, amino acid conservation, physicochemical variation, residue mobility, and thermodynamic stability) performed at Invitae indicates that this missense variant is expected to disrupt NF1 protein function with a positive predictive value of 95%. In summary, the available evidence is currently insufficient to determine the role of this variant in disease. Therefore, it has been classified as a Variant of Uncertain Significance.

Ambry Genetics
Classification: Uncertain significance for Cardiovascular phenotype; Hereditary cancer-predisposing syndrome. Last evaluated: 2023-10-24. Review status: criteria provided, single submitter. Criteria: Ambry Variant Classification Scheme 2023. Collection method: clinical testing. Allele origin: germline.
Comment: The c.6340A>G (p.T2114A) alteration is located in exon 41 (coding exon 41) of the NF1 gene. This alteration results from an A to G substitution at nucleotide position 6340, causing the threonine (T) at amino acid position 2114 to be replaced by an alanine (A). This variant was not reported in population-based cohorts in the Genome Aggregation Database (gnomAD). This amino acid position is highly conserved in available vertebrate species. This missense alteration is located in a region that has a low rate of benign missense variation (Lek, 2016; Firth, 2009). This alteration is predicted to be deleterious by in silico analysis. Based on insufficient or conflicting evidence, the clinical significance of this alteration remains unclear.